The following is an entry in ClinVar:

ClinVar aggregate classification (germline): Uncertain significance (1 of 4 stars; one submission).

Conditions:
Inborn genetic diseases. Identifiers: MedGen C0950123, MeSH D030342.

Allele frequency attached by ClinVar (database versions not stated): gnomAD 0.00002; TOPMed 0.00002; ExAC 0.00004; gnomAD exomes 0.00004.
gnomAD v4.1: 61 of 1,613,878 alleles (0.0038%); highest among the groups gnomAD compares: Non-Finnish European, 0.0047%; no homozygotes.

Submission:

Ambry Genetics
Classification: Uncertain significance for Inborn genetic diseases. Last evaluated: 2020-12-31. Review status: criteria provided, single submitter. Criteria: Ambry Variant Classification Scheme 2023. Collection method: clinical testing. Allele origin: germline.
Comment: The c.2329C>T (p.R777W) alteration is located in exon 19 (coding exon 19) of the SLC12A3 gene. This alteration results from a C to T substitution at nucleotide position 2329, causing the arginine (R) at amino acid position 777 to be replaced by a tryptophan (W). The in silico prediction for the p.R777W alteration is inconclusive. Based on insufficient or conflicting evidence, the clinical significance of this alteration remains unclear.

NM_001126108.2(SLC12A3):c.2329C>T (p.Arg777Trp)

Gene: SLC12A3 (solute carrier family 12 member 3; plus strand). Cytogenetic location: 16q13.
Variant type: single nucleotide variant.
Coding change: c.2329C>T on transcript NM_001126108.2 (MANE Select); coding-DNA position 2329, C replaced by T.
Protein change: p.Arg777Trp; replaces arginine 777 with tryptophan.
Molecular consequence: missense variant.
Genome position (GRCh38, 1-based): chr16:56,890,317, C>T. VCF-style: chr16-56890317-C-T. GRCh37 (hg19) VCF-style: chr16-56924229-C-T.
Other names: c.2329C>T, p.Arg777Trp (NM_000339.3); c.2326C>T, p.Arg776Trp (NM_001126107.2, NM_001410896.1); short protein forms R777W, R776W.
Identifiers: ClinVar variation 2228567 (VCV002228567.2), dbSNP rs748994629, ClinGen allele CA8069842.
Genomic context (GRCh38, chr16:56,890,317, plus strand): 5'-ACCTCCTCTCTTTCCAGTGATGCCTTTGATTTCAACTATGGCGTGTGTGTCATGAGGATG[C>T]GGGAGGGACTCAACGTGTCCAAGATGATGCAGGCGCACAGTGAGTACATGCCCCACCCAC-3'
Protein context (NP_001119580.2, residues 767-787): FNYGVCVMRM[Arg777Trp]EGLNVSKMMQ